The following is an entry in ClinVar:

ClinVar aggregate classification (germline): Pathogenic (1 of 4 stars; one submission).

Conditions:
Cardiovascular phenotype. Identifiers: MedGen CN230736.

Submission:

Ambry Genetics
Classification: Pathogenic for Cardiovascular phenotype. Last evaluated: 2026-02-13. Review status: criteria provided, single submitter. Criteria: Ambry Variant Classification Scheme 2023. Collection method: clinical testing. Allele origin: germline.
Comment: The c.6000delC pathogenic mutation, located in coding exon 46 of the CACNA1C gene, results from a deletion of one nucleotide at nucleotide position 6000, causing a translational frameshift with a predicted alternate stop codon (p.G2001Vfs*41). This variant is considered to be rare based on population cohorts in the Genome Aggregation Database (gnomAD). This alteration is expected to result in loss of function by premature protein truncation or nonsense-mediated mRNA decay. Based on the supporting evidence, this alteration is pathogenic for CACNA1C-related neurodevelopmental disorder; however, the association of this alteration with CACNA1C-related long QT syndrome or Timothy syndrome is unknown.

NM_000719.7(CACNA1C):c.6000del (p.Gly2001fs)

Genes: CACNA1C (calcium voltage-gated channel subunit alpha1 C; plus strand), CACNA1C-AS1 (CACNA1C antisense RNA 1; minus strand). Cytogenetic location: 12p13.33.
Variant type: Deletion.
Coding change: c.6000del on transcript NM_000719.7 (MANE Select); coding-DNA position 6000, one base deleted (C; older notation c.6000delC).
Protein change: p.Gly2001fs; shifts the reading frame from glycine 2001.
Molecular consequence: frameshift variant.
Genome position (GRCh38, 1-based): chr12:2,688,662, C deleted; the last of 5 consecutive C bases (chr12:2,688,658-2,688,662); deleting any one gives the same sequence. VCF-style (leftmost placement, unchanged base first): chr12-2688657-AC-A. GRCh37 (hg19) VCF-style: chr12-2797823-AC-A.
Other names: c.6084del, p.Gly2029fs (NM_001129831.2); c.6060del, p.Gly2021fs (NM_001129832.2); c.6057del, p.Gly2020fs (NM_001129833.2, NM_001129834.2, NM_001129835.2); c.6051del, p.Gly2018fs (NM_001129836.2); c.6024del, p.Gly2009fs (NM_001129837.2, NM_001129838.2); c.6144del, p.Gly2049fs (NM_001129827.2); c.6123del, p.Gly2042fs (NM_001129829.2); c.6105del, p.Gly2036fs (NM_001129830.3, NM_001167624.3); and 6 more; short protein forms G1998fs, G2020fs, G2009fs, G2049fs, G2061fs, G2001fs, G2007fs, G2018fs.
Identifiers: ClinVar variation 4824991 (VCV004824991.1).